The following is an entry in ClinVar:

ClinVar aggregate classification (germline): Uncertain significance. Review status: criteria provided, multiple submitters, no conflicts (2 of 4 stars). 3 submissions from 3 submitters: Uncertain significance (3). Last evaluated 2026-01-11.

Conditions:
Neurodegeneration with ataxia and late-onset optic atrophy. Identifiers: MedGen C5543254, MONDO:0031006, OMIM 619259.
Mitochondrial complex II deficiency, nuclear type 1. Also called: SUCCINATE CoQ REDUCTASE DEFICIENCY. Identifiers: Orphanet 3208, MedGen C5700310, MONDO:0100294, OMIM 252011.
Pheochromocytoma/paraganglioma syndrome 5. Also called: Paragangliomas 5; SDHA-Related Hereditary Paraganglioma-Pheochromocytoma Syndrome. Identifiers: Orphanet 29072, MedGen C3279992, MONDO:0013602, OMIM 614165.
Dilated cardiomyopathy 1GG (CMD1GG). Identifiers: Orphanet 154, MedGen C3150898, MONDO:0013339, OMIM 613642.
Hereditary cancer-predisposing syndrome. Also called: Hereditary Cancer Syndrome; Hereditary neoplastic syndrome; Neoplastic Syndromes, Hereditary; Tumor predisposition. Identifiers: Orphanet 140162, MedGen C0027672, MeSH D009386, MONDO:0015356.

Allele frequency attached by ClinVar (database versions not stated): gnomAD 0.00001; gnomAD exomes 0.00001; TOPMed 0.00001.
gnomAD v4.1: 9 of 1,614,044 alleles (0.00056%); highest among the groups gnomAD compares: Admixed American, 0.0017%; no homozygotes.

Submissions (3):

Labcorp Genetics (formerly Invitae), Labcorp
Classification: Uncertain significance for Pheochromocytoma/paraganglioma syndrome 5; Mitochondrial complex II deficiency, nuclear type 1. Last evaluated: 2026-01-11. Review status: criteria provided, single submitter. Criteria: Invitae Variant Classification Sherloc (09022015). Collection method: clinical testing. Allele origin: germline.
Comment: This sequence change replaces serine, which is neutral and polar, with leucine, which is neutral and non-polar, at codon 199 of the SDHA protein (p.Ser199Leu). This variant is present in population databases (no rsID available, gnomAD 0.003%). This variant has not been reported in the literature in individuals affected with SDHA-related conditions. ClinVar contains an entry for this variant (Variation ID: 239675). Invitae Evidence Modeling of protein sequence and biophysical properties (such as structural, functional, and spatial information, amino acid conservation, physicochemical variation, residue mobility, and thermodynamic stability) has been performed for this missense variant. However, the output from this modeling did not meet the statistical confidence thresholds required to predict the impact of this variant on SDHA protein function. In summary, the available evidence is currently insufficient to determine the role of this variant in disease. Therefore, it has been classified as a Variant of Uncertain Significance.

Ambry Genetics
Classification: Uncertain significance for Hereditary cancer-predisposing syndrome. Last evaluated: 2024-08-14. Review status: criteria provided, single submitter. Criteria: Ambry Variant Classification Scheme 2023. Collection method: clinical testing. Allele origin: germline.
Comment: The p.S199L variant (also known as c.596C>T), located in coding exon 5 of the SDHA gene, results from a C to T substitution at nucleotide position 596. The serine at codon 199 is replaced by leucine, an amino acid with dissimilar properties. This amino acid position is highly conserved in available vertebrate species. In addition, this alteration is predicted to be deleterious by in silico analysis. Based on the available evidence, the clinical significance of this variant remains unclear.

Department of Pathology and Laboratory Medicine, Sinai Health System
Classification: Uncertain significance for Mitochondrial complex II deficiency, nuclear type 1; Dilated cardiomyopathy 1GG; Pheochromocytoma/paraganglioma syndrome 5; Neurodegeneration with ataxia and late-onset optic atrophy. Last evaluated: 2022-10-13. Review status: criteria provided, single submitter. Criteria: ACMG Guidelines, 2015. Collection method: clinical testing. Allele origin: germline. Affected: yes.

NM_004168.4(SDHA):c.596C>T (p.Ser199Leu)

Gene: SDHA (succinate dehydrogenase complex flavoprotein subunit A; plus strand). Cytogenetic location: 5p15.33.
Variant type: single nucleotide variant.
Coding change: c.596C>T on transcript NM_004168.4 (MANE Select); coding-DNA position 596, C replaced by T.
Protein change: p.Ser199Leu; replaces serine 199 with leucine.
Molecular consequence: missense variant.
Genome position (GRCh38, 1-based): chr5:226,022, C>T. VCF-style: chr5-226022-C-T. GRCh37 (hg19) VCF-style: chr5-226137-C-T.
Other names: c.452C>T, p.Ser151Leu (NM_001294332.2); c.596C>T, p.Ser199Leu (NM_001330758.2); short protein forms S199L, S151L.
Identifiers: ClinVar variation 239675 (VCV000239675.14), dbSNP rs878854633, ClinGen allele CA10582419.
Genomic context (GRCh38, chr5:226,022, plus strand): 5'-AGTTTGGAAAGGGCGGGCAGGCCCATCGGTGCTGCTGTGTGGCTGATCGGACTGGCCACT[C>T]GCTATTGCACACCTTATATGGAAGGGTAAGGCCGCCCCCGTCCACCTGAGACAGGACACG-3'
Protein context (NP_004159.2, residues 189-209): CCCVADRTGH[Ser199Leu]LLHTLYGRSL